The following is an entry in ClinVar:

NM_001006658.3(CR2):c.659G>T (p.Arg220Leu)

Gene: CR2 (complement C3d receptor 2; plus strand). Cytogenetic location: 1q32.2.
Variant type: single nucleotide variant.
Coding change: c.659G>T on transcript NM_001006658.3 (MANE Select); coding-DNA position 659, G replaced by T.
Protein change: p.Arg220Leu; replaces arginine 220 with leucine.
Molecular consequence: missense variant.
Genome position (GRCh38, 1-based): chr1:207,468,824, G>T. VCF-style: chr1-207468824-G-T. GRCh37 (hg19) VCF-style: chr1-207642169-G-T.
Other names: c.659G>T, p.Arg220Leu (NM_001877.5); short protein forms R220L.
Identifiers: ClinVar variation 1984060 (VCV001984060.4), dbSNP rs147633291, ClinGen allele CA344526629.

ClinVar aggregate classification (germline): Uncertain significance (1 of 4 stars; one submission).

Conditions:
Immunodeficiency, common variable, 7. Identifiers: Orphanet 1572, Orphanet 696894, MedGen C3542922, MONDO:0013862, OMIM 614699.

gnomAD v4.1: 3 of 1,613,858 alleles (0.00019%); highest among the groups gnomAD compares: Non-Finnish European, 0.00025%; no homozygotes.

Submission:

Labcorp Genetics (formerly Invitae), Labcorp
Classification: Uncertain significance for Immunodeficiency, common variable, 7. Last evaluated: 2024-10-07. Review status: criteria provided, single submitter. Criteria: Invitae Variant Classification Sherloc (09022015). Collection method: clinical testing. Allele origin: germline.
Comment: This sequence change replaces arginine, which is basic and polar, with leucine, which is neutral and non-polar, at codon 220 of the CR2 protein (p.Arg220Leu). This variant is present in population databases (no rsID available, gnomAD 0.0009%). This variant has not been reported in the literature in individuals affected with CR2-related conditions. ClinVar contains an entry for this variant (Variation ID: 1984060). An algorithm developed to predict the effect of missense changes on protein structure and function (PolyPhen-2) suggests that this variant is likely to be tolerated. In summary, the available evidence is currently insufficient to determine the role of this variant in disease. Therefore, it has been classified as a Variant of Uncertain Significance.